The following is an entry in ClinVar:

NM_001382391.1(CSPP1):c.3330+2T>C

Genes: ARFGEF1 (ARF guanine nucleotide exchange factor 1; minus strand), CSPP1 (centrosome and spindle pole associated protein 1; plus strand). Cytogenetic location: 8q13.2.
Variant type: single nucleotide variant.
Coding change: c.3330+2T>C on transcript NM_001382391.1 (MANE Select); the canonical splice donor site of the intron after coding-DNA position 3330, T replaced by C.
Molecular consequence: splice donor variant. On other transcripts: intron variant (2).
Genome position (GRCh38, 1-based): chr8:67,190,761, T>C. VCF-style: chr8-67190761-T-C. GRCh37 (hg19) VCF-style: chr8-68102996-T-C.
Other names: c.3135+2T>C (NM_001363132.2); c.3249+2T>C (NM_001363131.2); c.3054+2T>C (NM_001363133.2); c.3396+2T>C (NM_001364869.1); c.3315+2T>C (NM_024790.7, NM_001438331.1); c.3162+2T>C (NM_001438330.1); c.3216+2T>C (NM_001364870.1); c.2631+2T>C (NM_001438332.1); and 3 more.
Identifiers: ClinVar variation 2440588 (VCV002440588.7), dbSNP rs527372531, ClinGen allele CA4771130.

ClinVar aggregate classification (germline): Conflicting classifications of pathogenicity. Review status: criteria provided, conflicting classifications (1 of 4 stars). 3 submissions from 3 submitters: Likely pathogenic (2); Uncertain significance (1). Last evaluated 2024-09-06.

Conditions:
Joubert syndrome 21 (JBTS21). Identifiers: MedGen C3810212, MONDO:0014288, OMIM 615636.
CSPP1-related disorder. Also called: CSPP1-related condition.

Allele frequency attached by ClinVar (database versions not stated): ExAC 0.00002.
gnomAD v4.1: 3 of 1,592,982 alleles (0.00019%); highest among the groups gnomAD compares: South Asian, 0.0033%; no homozygotes.

Submissions (3):

Blueprint Genetics
Classification: Likely pathogenic for CSPP1-related disorders. Last evaluated: 2024-09-06. Review status: criteria provided, single submitter. Criteria: ACMG Guidelines, 2015. Collection method: clinical testing. Allele origin: germline. Affected: yes. Observed: 2 variant alleles.

Labcorp Genetics (formerly Invitae), Labcorp
Classification: Likely pathogenic for Joubert syndrome 21. Last evaluated: 2022-12-02. Review status: criteria provided, single submitter. Criteria: Invitae Variant Classification Sherloc (09022015). Collection method: clinical testing. Allele origin: germline.
Comment: In summary, the currently available evidence indicates that the variant is pathogenic, but additional data are needed to prove that conclusively. Therefore, this variant has been classified as Likely Pathogenic. Algorithms developed to predict the effect of sequence changes on RNA splicing suggest that this variant may disrupt the consensus splice site. This variant has not been reported in the literature in individuals affected with CSPP1-related conditions. This variant is present in population databases (rs527372531, gnomAD 0.01%). This sequence change affects a donor splice site in intron 27 of the CSPP1 gene. It is expected to disrupt RNA splicing. Variants that disrupt the donor or acceptor splice site typically lead to a loss of protein function (PMID: 16199547), and loss-of-function variants in CSPP1 are known to be pathogenic (PMID: 24360807, 24360808).

Revvity Omics, Revvity
Classification: Uncertain significance for Joubert syndrome 21. Last evaluated: 2021-07-16. Review status: criteria provided, single submitter. Criteria: ACMG Guidelines, 2015. Collection method: clinical testing. Allele origin: germline.

Literature cited by the submitters: PubMed 16199547 (cited by Labcorp Genetics (formerly Invitae), Labcorp); PubMed 24360807 (cited by Labcorp Genetics (formerly Invitae), Labcorp); PubMed 24360808 (cited by Labcorp Genetics (formerly Invitae), Labcorp).